The following is an entry in ClinVar:

NM_145262.4(GLYCTK):c.130A>G (p.Ser44Gly)

Gene: GLYCTK (glycerate kinase; plus strand). Cytogenetic location: 3p21.2.
Variant type: single nucleotide variant.
Coding change: c.130A>G on transcript NM_145262.4 (MANE Select); coding-DNA position 130, A replaced by G.
Protein change: p.Ser44Gly; replaces serine 44 with glycine.
Molecular consequence: missense variant. On other transcripts: non-coding transcript variant (3).
Genome position (GRCh38, 1-based): chr3:52,290,472, A>G. VCF-style: chr3-52290472-A-G. GRCh37 (hg19) VCF-style: chr3-52324488-A-G.
Other names: c.130A>G, p.Ser44Gly (NM_001144951.2); short protein forms S44G.
Identifiers: ClinVar variation 1968295 (VCV001968295.4), dbSNP rs1700426495, ClinGen allele CA353068770.
Genomic context (GRCh38, chr3:52,290,472, plus strand): 5'-TCAGTGGCCCGTCTGGCCAGCAGCATGGCCTTGGCAGAGCAGGCCAGGCAGCTGTTTGAG[A>G]GTGCTGTAGGTGCAGTGCTGCCGGGCCCCATGCTGCACCGGGCACTATCCTTGGACCCTG-3'
Protein context (NP_660305.2, residues 34-54): LAEQARQLFE[Ser44Gly]AVGAVLPGPM

ClinVar aggregate classification (germline): Uncertain significance (1 of 4 stars; one submission).

Allele frequency attached by ClinVar (database versions not stated): gnomAD exomes below 0.00001; TOPMed below 0.00001; gnomAD 0.00001.
gnomAD v4.1: 2 of 1,612,956 alleles (0.00012%); highest among the groups gnomAD compares: Non-Finnish European, 0.00017%; no homozygotes.

Submission:

Labcorp Genetics (formerly Invitae), Labcorp
Classification: Uncertain significance. Last evaluated: 2023-05-08. Review status: criteria provided, single submitter. Criteria: Invitae Variant Classification Sherloc (09022015). Collection method: clinical testing. Allele origin: germline.
Comment: Advanced modeling of protein sequence and biophysical properties (such as structural, functional, and spatial information, amino acid conservation, physicochemical variation, residue mobility, and thermodynamic stability) performed at Invitae indicates that this missense variant is not expected to disrupt GLYCTK protein function. In summary, the available evidence is currently insufficient to determine the role of this variant in disease. Therefore, it has been classified as a Variant of Uncertain Significance. ClinVar contains an entry for this variant (Variation ID: 1968295). This sequence change replaces serine, which is neutral and polar, with glycine, which is neutral and non-polar, at codon 44 of the GLYCTK protein (p.Ser44Gly). This variant is not present in population databases (gnomAD no frequency). This variant has not been reported in the literature in individuals affected with GLYCTK-related conditions.